The following is an entry in ClinVar:

NM_145893.3(RBFOX1):c.76G>A (p.Gly26Arg)

Gene: RBFOX1 (RNA binding fox-1 homolog 1; plus strand). Cytogenetic location: 16p13.3.
Variant type: single nucleotide variant.
Coding change: c.76G>A on transcript NM_145893.3 (MANE Plus Clinical); coding-DNA position 76, G replaced by A.
Protein change: p.Gly26Arg; replaces glycine 26 with arginine.
Molecular consequence: missense variant. On other transcripts: intron variant (5).
Genome position (GRCh38, 1-based): chr16:7,333,077, G>A. VCF-style: chr16-7333077-G-A. GRCh37 (hg19) VCF-style: chr16-7383078-G-A.
Other names: c.76G>A, p.Gly26Arg (NM_001415896.1, NM_001415904.1, NM_001415906.1 and 3 more transcripts); c.28-185070G>A (NM_001364800.2, NM_018723.4, NM_001142333.2 and 1 more transcripts); c.157-185070G>A (NM_001308117.1); short protein forms G26R.
Identifiers: ClinVar variation 2115199 (VCV002115199.4), dbSNP rs1180011308, ClinGen allele CA394795292.
Genomic context (GRCh38, chr16:7,333,077, plus strand): 5'-GGAGTTCTCCTGCATCCTTATGGCGTGCCTATGATTGTACCGGCAGCTCCTTACCTTCCT[G>A]GACTGATTCAGGTAATTCAAGGCCTCTGCCAGCCAGCAACTTAACTCCAGAGTGCTCAGA-3'
Protein context (NP_665900.1, residues 16-36): MIVPAAPYLP[Gly26Arg]LIQGNQEAAA

ClinVar aggregate classification (germline): Uncertain significance (1 of 4 stars; one submission).

Conditions:
Idiopathic generalized epilepsy. Also called: EIG; Generalised epilepsy. Identifiers: MedGen C0270850, MONDO:0005579, OMIM 600669.

Submission:

Labcorp Genetics (formerly Invitae), Labcorp
Classification: Uncertain significance for Idiopathic generalized epilepsy. Last evaluated: 2025-03-30. Review status: criteria provided, single submitter. Criteria: Invitae Variant Classification Sherloc (09022015). Collection method: clinical testing. Allele origin: germline.
Comment: This sequence change replaces glycine, which is neutral and non-polar, with arginine, which is basic and polar, at codon 26 of the RBFOX1 protein (p.Gly26Arg). This variant is not present in population databases (gnomAD no frequency). This variant has not been reported in the literature in individuals affected with RBFOX1-related conditions. ClinVar contains an entry for this variant (Variation ID: 2115199). An algorithm developed to predict the effect of missense changes on protein structure and function (PolyPhen-2) suggests that this variant is likely to be tolerated. Algorithms developed to predict the effect of sequence changes on RNA splicing suggest that this variant may disrupt the consensus splice site. In summary, the available evidence is currently insufficient to determine the role of this variant in disease. Therefore, it has been classified as a Variant of Uncertain Significance.